The following is an entry in ClinVar:

ClinVar aggregate classification (germline): Uncertain significance (1 of 4 stars; one submission).

Conditions:
CHARGE syndrome (CHARGE). Also called: Hittner Hirsch Kreh syndrome; CHARGE ASSOCIATION--COLOBOMA, HEART ANOMALY, CHOANAL ATRESIA, RETARDATION, GENITAL AND EAR ANOMALIES; Coloboma, heart anomaly, choanal atresia, retardation, genital and ear anomalies; CHARGE association; Hall-Hittner syndrome. Identifiers: Orphanet 138, MedGen C0265354, MONDO:0008965.

Allele frequency attached by ClinVar (database versions not stated): gnomAD exomes below 0.00001.
gnomAD v4.1: 1 of 1,610,938 alleles (0.000062%); highest among the groups gnomAD compares: Non-Finnish European, 0.000085%; no homozygotes.

Submission:

Labcorp Genetics (formerly Invitae), Labcorp
Classification: Uncertain significance for CHARGE syndrome. Last evaluated: 2022-08-16. Review status: criteria provided, single submitter. Criteria: Invitae Variant Classification Sherloc (09022015). Collection method: clinical testing. Allele origin: germline.
Comment: This sequence change replaces proline, which is neutral and non-polar, with leucine, which is neutral and non-polar, at codon 405 of the CHD7 protein (p.Pro405Leu). This variant is not present in population databases (gnomAD no frequency). In summary, the available evidence is currently insufficient to determine the role of this variant in disease. Therefore, it has been classified as a Variant of Uncertain Significance. Advanced modeling of protein sequence and biophysical properties (such as structural, functional, and spatial information, amino acid conservation, physicochemical variation, residue mobility, and thermodynamic stability) performed at Invitae indicates that this missense variant is not expected to disrupt CHD7 protein function. This variant has not been reported in the literature in individuals affected with CHD7-related conditions.

NM_017780.4(CHD7):c.1214C>T (p.Pro405Leu)

Gene: CHD7 (chromodomain helicase DNA binding protein 7; plus strand). Cytogenetic location: 8q12.2.
Variant type: single nucleotide variant.
Coding change: c.1214C>T on transcript NM_017780.4 (MANE Select); coding-DNA position 1214, C replaced by T.
Protein change: p.Pro405Leu; replaces proline 405 with leucine.
Molecular consequence: missense variant.
Genome position (GRCh38, 1-based): chr8:60,742,646, C>T. VCF-style: chr8-60742646-C-T. GRCh37 (hg19) VCF-style: chr8-61655205-C-T.
Other names: c.1214C>T, p.Pro405Leu (NM_001316690.1); short protein forms P405L.
Identifiers: ClinVar variation 2193993 (VCV002193993.4), dbSNP rs2487278648, ClinGen allele CA371301848.